The following is an entry in ClinVar:

NM_030773.4(TUBB1):c.711C>T (p.Thr237=)

Gene: TUBB1 (tubulin beta 1 class VI; plus strand). Cytogenetic location: 20q13.32.
Variant type: single nucleotide variant.
Coding change: c.711C>T on transcript NM_030773.4 (MANE Select); coding-DNA position 711, C replaced by T.
Protein change: p.Thr237=; no amino-acid change (threonine 237 retained).
Molecular consequence: synonymous variant.
Genome position (GRCh38, 1-based): chr20:59,024,138, C>T. VCF-style: chr20-59024138-C-T. GRCh37 (hg19) VCF-style: chr20-57599193-C-T.
Identifiers: ClinVar variation 4751546 (VCV004751546.2).

ClinVar aggregate classification (germline): Benign/Likely benign. Review status: criteria provided, multiple submitters, no conflicts (2 of 4 stars). 2 submissions from 2 submitters: Benign (1); Likely benign (1). Last evaluated 2026-09-01.

Conditions:
TUBB1-related disorder. Also called: TUBB1-related condition.

gnomAD v4.1: 65 of 1,614,104 alleles (0.004%); highest among the groups gnomAD compares: Admixed American, 0.0017%; no homozygotes.

Submissions (2):

PreventionGenetics, part of Exact Sciences
Classification: Likely benign for TUBB1-related condition. Last evaluated: 2026-09-01. Review status: criteria provided, single submitter. Criteria: ACMG Guidelines, 2015. Collection method: clinical testing. Allele origin: germline.
Comment: This variant is classified as likely benign based on ACMG/AMP sequence variant interpretation guidelines (Richards et al. 2015 PMID: 25741868, with internal and published modifications).

Labcorp Genetics (formerly Invitae), Labcorp
Classification: Benign. Last evaluated: 2025-12-03. Review status: criteria provided, single submitter. Criteria: Invitae Variant Classification Sherloc (09022015). Collection method: clinical testing. Allele origin: germline.